The following is an entry in ClinVar:

NM_017654.4(SAMD9):c.3266C>A (p.Ala1089Glu)

Gene: SAMD9 (sterile alpha motif domain containing 9; minus strand). Cytogenetic location: 7q21.2.
Variant type: single nucleotide variant.
Coding change: c.3266C>A on transcript NM_017654.4 (MANE Select); coding-DNA position 3266, C replaced by A.
Protein change: p.Ala1089Glu; replaces alanine 1089 with glutamic acid.
Molecular consequence: missense variant.
Genome position (GRCh38, 1-based): chr7:93,102,832, G>T on the plus strand (C>A on the coding strand, the complement: SAMD9 is on the minus strand). VCF-style: chr7-93102832-G-T. GRCh37 (hg19) VCF-style: chr7-92732145-G-T.
Other names: c.3266C>A, p.Ala1089Glu (NM_001193307.2); short protein forms A1089E.
Identifiers: ClinVar variation 3791954 (VCV003791954.1).

ClinVar aggregate classification (germline): Uncertain significance (1 of 4 stars; one submission).

Conditions:
Inborn genetic diseases. Identifiers: MedGen C0950123, MeSH D030342.

gnomAD v4.1: 9 of 1,613,748 alleles (0.00056%); highest among the groups gnomAD compares: Non-Finnish European, 0.00076%; no homozygotes.

Submission:

Ambry Genetics
Classification: Uncertain significance for Inborn genetic diseases. Last evaluated: 2024-12-25. Review status: criteria provided, single submitter. Criteria: Ambry Variant Classification Scheme 2023. Collection method: clinical testing. Allele origin: germline.
Comment: The p.A1089E variant (also known as c.3266C>A), located in coding exon 1 of the SAMD9 gene, results from a C to A substitution at nucleotide position 3266. The alanine at codon 1089 is replaced by glutamic acid, an amino acid with dissimilar properties. This amino acid position is conserved. In addition, the in silico prediction for this alteration is inconclusive. Based on the available evidence, the clinical significance of this variant remains unclear.